The following is an entry in ClinVar:

ClinVar aggregate classification (germline): Uncertain significance (1 of 4 stars; one submission).

Conditions:
Inborn genetic diseases. Identifiers: MedGen C0950123, MeSH D030342.

gnomAD v4.1: 1 of 1,564,910 alleles (0.000064%); highest among the groups gnomAD compares: South Asian, 0.0012%; no homozygotes.

Submission:

Ambry Genetics
Classification: Uncertain significance for Inborn genetic diseases. Last evaluated: 2025-10-08. Review status: criteria provided, single submitter. Criteria: Ambry Variant Classification Scheme 2023. Collection method: clinical testing. Allele origin: germline.
Comment: The p.A488G variant (also known as c.1463C>G), located in coding exon 8 of the RECQL4 gene, results from a C to G substitution at nucleotide position 1463. The alanine at codon 488 is replaced by glycine, an amino acid with similar properties. This amino acid position is conserved. In addition, the in silico prediction for this alteration is inconclusive. Based on the available evidence, the clinical significance of this variant remains unclear.

NM_004260.4(RECQL4):c.1463C>G (p.Ala488Gly)

Gene: RECQL4 (RecQ like helicase 4; minus strand). Cytogenetic location: 8q24.3.
Variant type: single nucleotide variant.
Coding change: c.1463C>G on transcript NM_004260.4 (MANE Select); coding-DNA position 1463, C replaced by G.
Protein change: p.Ala488Gly; replaces alanine 488 with glycine.
Molecular consequence: missense variant. On other transcripts: 5 prime UTR variant (1), non-coding transcript variant (3).
Genome position (GRCh38, 1-based): chr8:144,515,170, G>C on the plus strand (C>G on the coding strand, the complement: RECQL4 is on the minus strand). VCF-style: chr8-144515170-G-C. GRCh37 (hg19) VCF-style: chr8-145740554-G-C.
Other names: c.392C>G, p.Ala131Gly (NM_001413023.1, NM_001413024.1, NM_001413028.1 and 8 more transcripts); c.1334C>G, p.Ala445Gly (NM_001413025.1); c.326C>G, p.Ala109Gly (NM_001413027.1, NM_001413030.1, NM_001413031.1 and 2 more transcripts); c.1112C>G, p.Ala371Gly (NM_001413029.1); c.1367C>G, p.Ala456Gly (NM_001413017.1, NM_001413020.1); c.1463C>G, p.Ala488Gly (NM_001413018.1, NM_001413019.1, NM_001413033.1 and 2 more transcripts); c.-5C>G (NM_001413043.1); short protein forms A131G, A488G, A371G, A445G, A456G, A109G.
Identifiers: ClinVar variation 4628945 (VCV004628945.1).